The following is an entry in ClinVar:

NM_017999.5(RNF31):c.1488+5G>T

Gene: RNF31 (ring finger protein 31; plus strand). Cytogenetic location: 14q12.
Variant type: single nucleotide variant.
Coding change: c.1488+5G>T on transcript NM_017999.5 (MANE Select); 5 bases into the intron after coding-DNA position 1488, G replaced by T.
Molecular consequence: intron variant.
Genome position (GRCh38, 1-based): chr14:24,150,893, G>T. VCF-style: chr14-24150893-G-T. GRCh37 (hg19) VCF-style: chr14-24620102-G-T.
Other names: c.1035+5G>T (NM_001310332.2).
Identifiers: ClinVar variation 1359030 (VCV001359030.6), dbSNP rs777169514, ClinGen allele CA7125781.

ClinVar aggregate classification (germline): Uncertain significance (1 of 4 stars; one submission).

Allele frequency attached by ClinVar (database versions not stated): ExAC 0.00001; gnomAD exomes 0.00001.
gnomAD v4.1: 4 of 1,547,020 alleles (0.00026%); highest among the groups gnomAD compares: Non-Finnish European, 0.00035%; no homozygotes.

Submission:

Labcorp Genetics (formerly Invitae), Labcorp
Classification: Uncertain significance. Last evaluated: 2021-05-17. Review status: criteria provided, single submitter. Criteria: Invitae Variant Classification Sherloc (09022015). Collection method: clinical testing. Allele origin: germline.
Comment: Nucleotide substitutions within the consensus splice site are a relatively common cause of aberrant splicing (PMID: 17576681, 9536098). Algorithms developed to predict the effect of sequence changes on RNA splicing suggest that this variant may disrupt the consensus splice site, but this prediction has not been confirmed by published transcriptional studies. In summary, the available evidence is currently insufficient to determine the role of this variant in disease. Therefore, it has been classified as a Variant of Uncertain Significance. This variant has not been reported in the literature in individuals with RNF31-related conditions. This sequence change falls in intron 8 of the RNF31 gene. It does not directly change the encoded amino acid sequence of the RNF31 protein. It affects a nucleotide within the consensus splice site of the intron. This variant is present in population databases (rs777169514, ExAC 0.002%).

Literature cited by the submitters: PubMed 17576681; PubMed 9536098.